The following is an entry in ClinVar:

ClinVar aggregate classification (germline): Uncertain significance (1 of 4 stars; one submission).

Conditions:
CHD5-related disorder. Also called: CHD5-related condition.

gnomAD v4.1: 5 of 1,613,504 alleles (0.00031%); highest among the groups gnomAD compares: African/African-American, 0.0013%; no homozygotes.

Submission:

PreventionGenetics, part of Exact Sciences
Classification: Uncertain significance for CHD5-related condition. Last evaluated: 2025-12-29. Review status: criteria provided, single submitter. Criteria: ACMG Guidelines, 2015. Collection method: clinical testing. Allele origin: germline.
Comment: The CHD5 c.5195T>C variant is predicted to result in the amino acid substitution p.Ile1732Thr. To our knowledge, this variant has not been reported in the literature. This variant is reported in 0.00088% of alleles in individuals of European (Non-Finnish) descent in gnomAD. At this time, the clinical significance of this variant is uncertain due to the absence of conclusive functional and genetic evidence.

NM_015557.3(CHD5):c.5195T>C (p.Ile1732Thr)

Gene: CHD5 (chromodomain helicase DNA binding protein 5; minus strand). Cytogenetic location: 1p36.31.
Variant type: single nucleotide variant.
Coding change: c.5195T>C on transcript NM_015557.3 (MANE Select); coding-DNA position 5195, T replaced by C.
Protein change: p.Ile1732Thr; replaces isoleucine 1732 with threonine.
Molecular consequence: missense variant.
Genome position (GRCh38, 1-based): chr1:6,111,829, A>G on the plus strand (T>C on the coding strand, the complement: CHD5 is on the minus strand). VCF-style: chr1-6111829-A-G. GRCh37 (hg19) VCF-style: chr1-6171889-A-G.
Other names: short protein forms I1732T.
Identifiers: ClinVar variation 4989033 (VCV004989033.1).